The following is an entry in ClinVar:

NM_001384732.1(CPLANE1):c.5203T>G (p.Leu1735Val)

Gene: CPLANE1 (ciliogenesis and planar polarity effector complex subunit 1; minus strand). Cytogenetic location: 5p13.2.
Variant type: single nucleotide variant.
Coding change: c.5203T>G on transcript NM_001384732.1 (MANE Select); coding-DNA position 5203, T replaced by G.
Protein change: p.Leu1735Val; replaces leucine 1735 with valine.
Molecular consequence: missense variant.
Genome position (GRCh38, 1-based): chr5:37,182,978, A>C on the plus strand (T>G on the coding strand, the complement: CPLANE1 is on the minus strand). VCF-style: chr5-37182978-A-C. GRCh37 (hg19) VCF-style: chr5-37183080-A-C.
Other names: c.5203T>G, p.Leu1735Val (NM_023073.4); short protein forms L1735V.
Identifiers: ClinVar variation 1522314 (VCV001522314.7), dbSNP rs369286097, ClinGen allele CA3238591.

ClinVar aggregate classification (germline): Uncertain significance. Review status: criteria provided, multiple submitters, no conflicts (2 of 4 stars). 3 submissions from 3 submitters: Uncertain significance (3). Last evaluated 2025-06-12.

Conditions:
Joubert syndrome 17 (JBTS17). Identifiers: Orphanet 475, MedGen C3553264, MONDO:0013824, OMIM 614615.
Orofaciodigital syndrome type 6 (OFD6). Also called: Oral-facial-digital syndrome type 6; Central polydactyly cleft lip/palate or lingual lump and psychomotor retardation; Y-shaped central metacarpal and cerebellar defect; Joubert syndrome with orofacialdigital anomalies; POLYDACTYLY, CLEFT LIP/PALATE OR LINGUAL LUMP, AND PSYCHOMOTOR RETARDATION; OROFACIODIGITAL SYNDROME VI. Identifiers: Orphanet 2754, MedGen C2745997, MONDO:0010176, OMIM 277170.

Allele frequency attached by ClinVar (database versions not stated): gnomAD 0.00003 and 0.00004; gnomAD exomes 0.00003 and 0.00005; TOPMed 0.00005; ExAC 0.00007; ESP Exome Variant Server 0.00008.
gnomAD v4.1: 53 of 1,609,088 alleles (0.0033%); highest among the groups gnomAD compares: Admixed American, 0.0051%; no homozygotes.

Submissions (3):

Labcorp Genetics (formerly Invitae), Labcorp
Classification: Uncertain significance. Last evaluated: 2025-06-12. Review status: criteria provided, single submitter. Criteria: Invitae Variant Classification Sherloc (09022015). Collection method: clinical testing. Allele origin: germline.
Comment: This sequence change replaces leucine, which is neutral and non-polar, with valine, which is neutral and non-polar, at codon 1735 of the CPLANE1 protein (p.Leu1735Val). This variant is present in population databases (rs369286097, gnomAD 0.01%). This variant has not been reported in the literature in individuals affected with CPLANE1-related conditions. ClinVar contains an entry for this variant (Variation ID: 1522314). Invitae Evidence Modeling of protein sequence and biophysical properties (such as structural, functional, and spatial information, amino acid conservation, physicochemical variation, residue mobility, and thermodynamic stability) indicates that this missense variant is not expected to disrupt CPLANE1 protein function with a negative predictive value of 95%. In summary, the available evidence is currently insufficient to determine the role of this variant in disease. Therefore, it has been classified as a Variant of Uncertain Significance.

GeneDx
Classification: Uncertain significance. Last evaluated: 2022-01-20. Review status: criteria provided, single submitter. Criteria: GeneDx Variant Classification Process June 2021. Collection method: clinical testing. Allele origin: germline. Affected: yes.
Comment: Not observed at significant frequency in large population cohorts (gnomAD); In silico analysis supports that this missense variant does not alter protein structure/function; Has not been previously published as pathogenic or benign to our knowledge

Fulgent Genetics
Classification: Uncertain significance for Orofaciodigital syndrome type 6; Joubert syndrome 17. Last evaluated: 2021-11-20. Review status: criteria provided, single submitter. Criteria: ACMG Guidelines, 2015. Collection method: clinical testing. Allele origin: unknown.